The following is an entry in ClinVar:

NM_022081.6(HPS4):c.643C>T (p.Leu215Phe)

Gene: HPS4 (HPS4 biogenesis of lysosomal organelles complex 3 subunit 2; minus strand). Cytogenetic location: 22q12.1.
Variant type: single nucleotide variant.
Coding change: c.643C>T on transcript NM_022081.6 (MANE Select); coding-DNA position 643, C replaced by T.
Protein change: p.Leu215Phe; replaces leucine 215 with phenylalanine.
Molecular consequence: missense variant. On other transcripts: non-coding transcript variant (8).
Genome position (GRCh38, 1-based): chr22:26,468,577, G>A on the plus strand (C>T on the coding strand, the complement: HPS4 is on the minus strand). VCF-style: chr22-26468577-G-A. GRCh37 (hg19) VCF-style: chr22-26864543-G-A.
Other names: c.643C>T, p.Leu215Phe (NM_001349896.1, NM_001349898.2, NM_001349899.2 and 7 more transcripts); c.628C>T, p.Leu210Phe (NM_152841.2); short protein forms L210F, L215F.
Identifiers: ClinVar variation 2088317 (VCV002088317.1), dbSNP rs2518354999, ClinGen allele CA411030151.

ClinVar aggregate classification (germline): Uncertain significance (1 of 4 stars; one submission).

Submission:

Labcorp Genetics (formerly Invitae), Labcorp
Classification: Uncertain significance. Last evaluated: 2022-03-15. Review status: criteria provided, single submitter. Criteria: Invitae Variant Classification Sherloc (09022015). Collection method: clinical testing. Allele origin: germline.
Comment: This sequence change replaces leucine, which is neutral and non-polar, with phenylalanine, which is neutral and non-polar, at codon 215 of the HPS4 protein (p.Leu215Phe). This variant is not present in population databases (gnomAD no frequency). This variant has not been reported in the literature in individuals affected with HPS4-related conditions. Algorithms developed to predict the effect of missense changes on protein structure and function output the following: SIFT: "Deleterious"; PolyPhen-2: "Probably Damaging"; Align-GVGD: "Class C0". The phenylalanine amino acid residue is found in multiple mammalian species, which suggests that this missense change does not adversely affect protein function. In summary, the available evidence is currently insufficient to determine the role of this variant in disease. Therefore, it has been classified as a Variant of Uncertain Significance.